The following is an entry in ClinVar:

ClinVar aggregate classification (germline): Uncertain significance (1 of 4 stars; one submission).

Conditions:
ZBTB18-related disorder. Also called: ZBTB18-related condition.

Submission:

PreventionGenetics, part of Exact Sciences
Classification: Uncertain significance for ZBTB18-related condition. Last evaluated: 2023-04-24. Review status: criteria provided, single submitter. Criteria: ACMG Guidelines, 2015. Collection method: clinical testing. Allele origin: germline.
Comment: The ZBTB18 c.467G>T variant is predicted to result in the amino acid substitution p.Gly156Val. To our knowledge, this variant has not been reported in the literature or in a large population database, indicating this variant is rare. At this time, the clinical significance of this variant is uncertain due to the absence of conclusive functional and genetic evidence.

NM_205768.3(ZBTB18):c.467G>T (p.Gly156Val)

Gene: ZBTB18 (zinc finger and BTB domain containing 18; plus strand). Cytogenetic location: 1q44.
Variant type: single nucleotide variant.
Coding change: c.467G>T on transcript NM_205768.3 (MANE Select); coding-DNA position 467, G replaced by T.
Protein change: p.Gly156Val; replaces glycine 156 with valine.
Molecular consequence: missense variant.
Genome position (GRCh38, 1-based): chr1:244,054,241, G>T. VCF-style: chr1-244054241-G-T. GRCh37 (hg19) VCF-style: chr1-244217543-G-T.
Other names: c.440G>T, p.Gly147Val (NM_001278196.2, NM_006352.5); c.467G>T, p.Gly156Val (NM_001421566.1); short protein forms G147V, G156V.
Identifiers: ClinVar variation 2633678 (VCV002633678.1), dbSNP rs2527556411, ClinGen allele CA345672980.